The following is an entry in ClinVar:

ClinVar aggregate classification (germline): Conflicting classifications of pathogenicity. Review status: criteria provided, conflicting classifications (1 of 4 stars). 4 submissions from 4 submitters: Uncertain significance (3); Likely benign (1). Last evaluated 2025-12-13.

Conditions:
PIGA-related disorder. Also called: PIGA-related condition.
Inborn genetic diseases. Identifiers: MedGen C0950123, MeSH D030342.
Multiple congenital anomalies-hypotonia-seizures syndrome 2 (MCAHS2). Also called: EPILEPTIC ENCEPHALOPATHY, EARLY INFANTILE, 20; GLYCOSYLPHOSPHATIDYLINOSITOL BIOSYNTHESIS DEFECT 4. Identifiers: Orphanet 300496, MedGen C3275508, MONDO:0010466, OMIM 300868.

Allele frequency attached by ClinVar (database versions not stated): gnomAD exomes 0.00001 and 0.00002; ExAC 0.00003; gnomAD 0.00010 and 0.00012; TOPMed 0.00011.

Submissions (4):

Labcorp Genetics (formerly Invitae), Labcorp
Classification: Uncertain significance for Multiple congenital anomalies-hypotonia-seizures syndrome 2. Last evaluated: 2025-12-13. Review status: criteria provided, single submitter. Criteria: Invitae Variant Classification Sherloc (09022015). Collection method: clinical testing. Allele origin: germline.
Comment: This sequence change replaces arginine, which is basic and polar, with tryptophan, which is neutral and slightly polar, at codon 400 of the PIGA protein (p.Arg400Trp). This variant is present in population databases (rs772225061, gnomAD 0.03%), including at least one homozygous and/or hemizygous individual. This variant has not been reported in the literature in individuals affected with PIGA-related conditions. ClinVar contains an entry for this variant (Variation ID: 449710). Invitae Evidence Modeling of protein sequence and biophysical properties (such as structural, functional, and spatial information, amino acid conservation, physicochemical variation, residue mobility, and thermodynamic stability) has been performed for this missense variant. However, the output from this modeling did not meet the statistical confidence thresholds required to predict the impact of this variant on PIGA protein function. In summary, the available evidence is currently insufficient to determine the role of this variant in disease. Therefore, it has been classified as a Variant of Uncertain Significance.

PreventionGenetics, part of Exact Sciences
Classification: Uncertain significance for PIGA-related condition. Last evaluated: 2025-11-14. Review status: criteria provided, single submitter. Criteria: ACMG Guidelines, 2015. Collection method: clinical testing. Allele origin: germline.
Comment: The PIGA c.1198C>T variant is predicted to result in the amino acid substitution p.Arg400Trp. To our knowledge, this variant has not been reported in the literature. This variant is reported in 0.027% of alleles in individuals of African descent in gnomAD, including a hemizygous individual. Although we suspect that this variant may be benign, at this time, the clinical significance of this variant is uncertain due to the absence of conclusive functional and genetic evidence.

Ambry Genetics
Classification: Likely benign for Inborn genetic diseases. Last evaluated: 2025-09-04. Review status: criteria provided, single submitter. Criteria: Ambry Variant Classification Scheme 2023. Collection method: clinical testing. Allele origin: germline.

GeneDx
Classification: Uncertain significance. Last evaluated: 2024-04-10. Review status: criteria provided, single submitter. Criteria: GeneDx Variant Classification Process June 2021. Collection method: clinical testing. Allele origin: germline. Affected: yes.
Comment: In silico analysis supports that this missense variant has a deleterious effect on protein structure/function; Has not been previously published as pathogenic or benign to our knowledge

NM_002641.4(PIGA):c.1198C>T (p.Arg400Trp)

Gene: PIGA (phosphatidylinositol glycan anchor biosynthesis class A; minus strand). Cytogenetic location: Xp22.2.
Variant type: single nucleotide variant.
Coding change: c.1198C>T on transcript NM_002641.4 (MANE Select); coding-DNA position 1198, C replaced by T.
Protein change: p.Arg400Trp; replaces arginine 400 with tryptophan.
Molecular consequence: missense variant. On other transcripts: non-coding transcript variant (2).
Genome position (GRCh38, 1-based): chrX:15,321,763, G>A on the plus strand (C>T on the coding strand, the complement: PIGA is on the minus strand). VCF-style: chrX-15321763-G-A. GRCh37 (hg19) VCF-style: chrX-15339885-G-A.
Other names: c.496C>T, p.Arg166Trp (NM_020473.3); short protein forms R400W, R166W.
Identifiers: ClinVar variation 449710 (VCV000449710.15), dbSNP rs772225061, ClinGen allele CA10354069.